The following is an entry in ClinVar:

NM_017491.5(WDR1):c.259A>G (p.Thr87Ala)

Gene: WDR1 (WD repeat domain 1; minus strand). Cytogenetic location: 4p16.1.
Variant type: single nucleotide variant.
Coding change: c.259A>G on transcript NM_017491.5 (MANE Select); coding-DNA position 259, A replaced by G.
Protein change: p.Thr87Ala; replaces threonine 87 with alanine.
Molecular consequence: missense variant. On other transcripts: intron variant (1).
Genome position (GRCh38, 1-based): chr4:10,099,110, T>C on the plus strand (A>G on the coding strand, the complement: WDR1 is on the minus strand). VCF-style: chr4-10099110-T-C. GRCh37 (hg19) VCF-style: chr4-10100734-T-C.
Other names: c.139-10369A>G (NM_005112.5); short protein forms T87A.
Identifiers: ClinVar variation 1391317 (VCV001391317.8), dbSNP rs1171318720, ClinGen allele CA356363859.

ClinVar aggregate classification (germline): Uncertain significance (1 of 4 stars; one submission).

Allele frequency attached by ClinVar (database versions not stated): gnomAD 0.00001.
gnomAD v4.1: 1 of 1,541,704 alleles (0.000065%); highest among the groups gnomAD compares: Non-Finnish European, 0.000088%; no homozygotes.

Submission:

Labcorp Genetics (formerly Invitae), Labcorp
Classification: Uncertain significance. Last evaluated: 2022-09-06. Review status: criteria provided, single submitter. Criteria: Invitae Variant Classification Sherloc (09022015). Collection method: clinical testing. Allele origin: germline.
Comment: This variant is present in population databases (no rsID available, gnomAD 0.007%). Algorithms developed to predict the effect of missense changes on protein structure and function are either unavailable or do not agree on the potential impact of this missense change (SIFT: "Deleterious"; PolyPhen-2: "Possibly Damaging"; Align-GVGD: "Class C0"). ClinVar contains an entry for this variant (Variation ID: 1391317). This variant has not been reported in the literature in individuals affected with WDR1-related conditions. This sequence change replaces threonine, which is neutral and polar, with alanine, which is neutral and non-polar, at codon 87 of the WDR1 protein (p.Thr87Ala). In summary, the available evidence is currently insufficient to determine the role of this variant in disease. Therefore, it has been classified as a Variant of Uncertain Significance.